The following is an entry in ClinVar:

ClinVar aggregate classification (germline): Benign (1 of 4 stars; one submission).

Allele frequency attached by ClinVar (database versions not stated): 1000 Genomes Project 0.10184; gnomAD 0.10455 and 0.10651; TOPMed 0.11238.
gnomAD v4.1: 16,234 of 151,678 alleles (11%); highest among the groups gnomAD compares: Admixed American, 19%; 1,143 homozygotes.

Submission:

GeneDx
Classification: Benign. Last evaluated: 2018-06-16. Review status: criteria provided, single submitter. Criteria: GeneDx Variant Classification (06012015). Collection method: clinical testing. Allele origin: germline. Affected: yes.
Comment: This variant is considered likely benign or benign based on one or more of the following criteria: it is a conservative change, it occurs at a poorly conserved position in the protein, it is predicted to be benign by multiple in silico algorithms, and/or has population frequency not consistent with disease.

NM_133433.4(NIPBL):c.5575-193T>C

Gene: NIPBL (NIPBL cohesin loading factor; plus strand). Cytogenetic location: 5p13.2.
Variant type: single nucleotide variant.
Coding change: c.5575-193T>C on transcript NM_133433.4 (MANE Select); 193 bases into the intron before coding-DNA position 5575, T replaced by C.
Molecular consequence: intron variant.
Genome position (GRCh38, 1-based): chr5:37,024,392, T>C. VCF-style: chr5-37024392-T-C. GRCh37 (hg19) VCF-style: chr5-37024494-T-C.
Other names: c.5575-193T>C (NM_015384.5).
Identifiers: ClinVar variation 667676 (VCV000667676.1), dbSNP rs13181330, ClinGen allele CA15360776.